The following is an entry in ClinVar:

NM_014727.3(KMT2B):c.1699A>G (p.Ile567Val)

Gene: KMT2B (lysine methyltransferase 2B; plus strand). Cytogenetic location: 19q13.12.
Variant type: single nucleotide variant.
Coding change: c.1699A>G on transcript NM_014727.3 (MANE Select); coding-DNA position 1699, A replaced by G.
Protein change: p.Ile567Val; replaces isoleucine 567 with valine.
Molecular consequence: missense variant.
Genome position (GRCh38, 1-based): chr19:35,721,046, A>G. VCF-style: chr19-35721046-A-G. GRCh37 (hg19) VCF-style: chr19-36211948-A-G.
Other names: short protein forms I567V.
Identifiers: ClinVar variation 3865078 (VCV003865078.5).

ClinVar aggregate classification (germline): Conflicting classifications of pathogenicity. Review status: criteria provided, conflicting classifications (1 of 4 stars). 2 submissions from 2 submitters: Uncertain significance (1); Likely benign (1). Last evaluated 2026-03-01.

Conditions:
Inborn genetic diseases. Identifiers: MedGen C0950123, MeSH D030342.

gnomAD v4.1: 11 of 1,562,276 alleles (0.0007%); highest among the groups gnomAD compares: South Asian, 0.0022%; no homozygotes.

Submissions (2):

CeGaT Center for Human Genetics Tuebingen
Classification: Uncertain significance. Last evaluated: 2026-03-01. Review status: criteria provided, single submitter. Criteria: CeGaT Center For Human Genetics Tuebingen Variant Classification Criteria Version 2. Collection method: clinical testing. Allele origin: germline. Affected: yes. Observed: 1 variant allele.
Comment: KMT2B: PM2, BP4

Ambry Genetics
Classification: Likely benign for Inborn genetic diseases. Last evaluated: 2024-12-25. Review status: criteria provided, single submitter. Criteria: Ambry Variant Classification Scheme 2023. Collection method: clinical testing. Allele origin: germline.